The following is an entry in ClinVar:

NM_005045.4(RELN):c.6343G>A (p.Gly2115Ser)

Gene: RELN (reelin; minus strand). Cytogenetic location: 7q22.1.
Variant type: single nucleotide variant.
Coding change: c.6343G>A on transcript NM_005045.4 (MANE Select); coding-DNA position 6343, G replaced by A.
Protein change: p.Gly2115Ser; replaces glycine 2115 with serine.
Molecular consequence: missense variant.
Genome position (GRCh38, 1-based): chr7:103,545,304, C>T on the plus strand (G>A on the coding strand, the complement: RELN is on the minus strand). VCF-style: chr7-103545304-C-T. GRCh37 (hg19) VCF-style: chr7-103185751-C-T.
Other names: c.6343G>A, p.Gly2115Ser (NM_173054.3); c.6343G>A (NM_173054.2); short protein forms G2115S.
Identifiers: ClinVar variation 130133 (VCV000130133.51), dbSNP rs116716038, ClinGen allele CA154928.

ClinVar aggregate classification (germline): Benign/Likely benign. Review status: criteria provided, multiple submitters, no conflicts (2 of 4 stars). 12 submissions from 12 submitters: Benign (7); Likely benign (4). 1 of the submissions does not count toward it. Last evaluated 2026-09-01.

Conditions:
Epilepsy, familial temporal lobe, 1. Identifiers: Orphanet 101046, MedGen CN030884, MONDO:0700090, OMIM 600512.
Familial temporal lobe epilepsy 7. Identifiers: Orphanet 101046, MedGen C4225327, MONDO:0014639, OMIM 616436.
Norman-Roberts syndrome (LIS2). Also called: Lissencephaly 2 (Norman-Roberts type). Identifiers: Orphanet 89844, MedGen C0796089, MONDO:0009760, OMIM 257320.
Intellectual disability. Also called: intellectual disabilities; Intellectual functioning disability; Intellectual developmental disorder. Identifiers: MedGen C3714756, MeSH D008607, MONDO:0001071, HP:0001249.

Allele frequency attached by ClinVar (database versions not stated): gnomAD exomes 0.00188 and 0.00082; ExAC 0.00223; gnomAD 0.00699 and 0.00747; 1000 Genomes Project 30x 0.00750; ESP Exome Variant Server 0.00777; 1000 Genomes Project 0.00799; TOPMed 0.00825.
gnomAD v4.1: 2,320 of 1,614,028 alleles (0.14%); highest among the groups gnomAD compares: African/African-American, 2.5%; 33 homozygotes.

Submissions (12):

CeGaT Center for Human Genetics Tuebingen
Classification: Benign. Last evaluated: 2026-09-01. Review status: criteria provided, single submitter. Criteria: CeGaT Center For Human Genetics Tuebingen Variant Classification Criteria Version 2. Collection method: clinical testing. Allele origin: germline. Affected: yes. Observed: 16 variant alleles.
Comment: RELN: BS1, BS2

Labcorp Genetics (formerly Invitae), Labcorp
Classification: Benign for Familial temporal lobe epilepsy 7; Norman-Roberts syndrome. Last evaluated: 2026-02-03. Review status: criteria provided, single submitter. Criteria: Invitae Variant Classification Sherloc (09022015). Collection method: clinical testing. Allele origin: germline.

Genomic Medicine Center of Excellence, King Faisal Specialist Hospital and Research Centre
Classification: Likely benign. Last evaluated: 2025-08-18. Review status: criteria provided, single submitter. Criteria: ACMG Guidelines, 2015. Collection method: clinical testing. Allele origin: germline.

ARUP Laboratories, Molecular Genetics and Genomics, ARUP Laboratories
Classification: Benign. Last evaluated: 2024-10-11. Review status: criteria provided, single submitter. Criteria: ARUP Molecular Germline Variant Investigation Process 2024. Collection method: clinical testing. Allele origin: germline.

Fulgent Genetics
Classification: Likely benign for Norman-Roberts syndrome; Epilepsy, familial temporal lobe, 1; Familial temporal lobe epilepsy 7. Last evaluated: 2021-08-17. Review status: criteria provided, single submitter. Criteria: ACMG Guidelines, 2015. Collection method: clinical testing. Allele origin: unknown.

Athena Diagnostics
Classification: Benign. Last evaluated: 2019-01-16. Review status: criteria provided, single submitter. Criteria: Athena Diagnostics Criteria. Collection method: clinical testing. Allele origin: germline.

Illumina Laboratory Services, Illumina
Classification: Benign for Norman-Roberts syndrome. Last evaluated: 2018-01-12. Review status: criteria provided, single submitter. Criteria: ICSL Variant Classification Criteria 13 December 2019. Collection method: clinical testing. Allele origin: germline.
Comment: This variant was observed in the ICSL laboratory as part of a predisposition screen in an ostensibly healthy population. It had not been previously curated by ICSL or reported in the Human Gene Mutation Database (HGMD: prior to June 1st, 2018), and was therefore a candidate for classification through an automated scoring system. Utilizing variant allele frequency, disease prevalence and penetrance estimates, and inheritance mode, an automated score was calculated to assess if this variant is too frequent to cause the disease. Based on the score and internal cut-off values, a variant classified as benign is not then subjected to further curation. The score for this variant resulted in a classification of benign for this disease.

Center for Pediatric Genomic Medicine, Children's Mercy Hospital and Clinics
Classification: Likely benign. Last evaluated: 2017-04-19. Review status: criteria provided, single submitter. Criteria: ACMG Guidelines, 2015. Collection method: clinical testing. Allele origin: germline.

Genetic Services Laboratory, University of Chicago
Classification: Benign. Last evaluated: 2016-08-30. Review status: criteria provided, single submitter. Criteria: ACMG Guidelines, 2015. Collection method: clinical testing. Allele origin: germline. Affected: no.

GeneDx
Classification: Benign. Last evaluated: 2015-03-03. Review status: criteria provided, single submitter. Criteria: GeneDx Variant Classification Process June 2021. Collection method: clinical testing. Allele origin: germline. Affected: yes.

Breakthrough Genomics
Classification: Likely benign. Review status: criteria provided, single submitter. Criteria: ACMG Guidelines, 2015. Collection method: not provided. Allele origin: germline. Inheritance: Autosomal recessive inheritance. Affected: yes.

Centre de Biologie Pathologie Génétique, Centre Hospitalier Universitaire de Lille
Classification: Likely benign for Intellectual disability. Last evaluated: 2019-01-01. Review status: no assertion criteria provided. Collection method: clinical testing. Allele origin: inherited. Affected: yes. Not counted in ClinVar's aggregate classification.